The following is an entry in ClinVar:

NM_001321739.2(M1AP):c.1422+5C>T

Gene: M1AP (meiosis 1 associated protein; minus strand). Cytogenetic location: 2p13.1.
Variant type: single nucleotide variant.
Coding change: c.1422+5C>T on transcript NM_001321739.2 (MANE Select); 5 bases into the intron after coding-DNA position 1422, C replaced by T.
Molecular consequence: intron variant.
Genome position (GRCh38, 1-based): chr2:74,560,146, G>A on the plus strand (C>T on the coding strand, the complement: M1AP is on the minus strand). VCF-style: chr2-74560146-G-A. GRCh37 (hg19) VCF-style: chr2-74787273-G-A.
Other names: c.1422+5C>T (NM_001281296.2, NM_138804.5).
Identifiers: ClinVar variation 3388186 (VCV003388186.14).

ClinVar aggregate classification (germline): Benign (1 of 4 stars; one submission).

gnomAD v4.1: 1,518 of 1,613,390 alleles (0.094%); highest among the groups gnomAD compares: African/African-American, 1.3%; 13 homozygotes.

Submission:

CeGaT Center for Human Genetics Tuebingen
Classification: Benign. Last evaluated: 2024-11-01. Review status: criteria provided, single submitter. Criteria: CeGaT Center For Human Genetics Tuebingen Variant Classification Criteria Version 2. Collection method: clinical testing. Allele origin: germline. Affected: yes. Observed: 1 variant allele.
Comment: M1AP: BP4, BS1, BS2